The following is an entry in ClinVar:

NM_006231.4(POLE):c.690C>G (p.Ile230Met)

Gene: POLE (DNA polymerase epsilon, catalytic subunit; minus strand). Cytogenetic location: 12q24.33.
Variant type: single nucleotide variant.
Coding change: c.690C>G on transcript NM_006231.4 (MANE Select); coding-DNA position 690, C replaced by G.
Protein change: p.Ile230Met; replaces isoleucine 230 with methionine.
Molecular consequence: missense variant.
Genome position (GRCh38, 1-based): chr12:132,677,608, G>C on the plus strand (C>G on the coding strand, the complement: POLE is on the minus strand). VCF-style: chr12-132677608-G-C. GRCh37 (hg19) VCF-style: chr12-133254194-G-C.
Other names: short protein forms I230M.
Identifiers: ClinVar variation 1756100 (VCV001756100.2), dbSNP rs2136020340, ClinGen allele CA387364727.
Genomic context (GRCh38, chr12:132,677,608, plus strand): 5'-TGAGCAGCGACCCAACCCTGCCCCACTCACCACGTGGATCTTCAGGTCAATGGAGAGGCG[G>C]ATGTGGTAGGGAACATCGTACTCGCGCATGTCCACAATGTTGTCCAACTGGTCAGCTATC-3'
Protein context (NP_006222.2, residues 220-240): DMREYDVPYH[Ile230Met]RLSIDLKIHV

ClinVar aggregate classification (germline): Uncertain significance (1 of 4 stars; one submission).

Conditions:
Hereditary cancer-predisposing syndrome. Also called: Neoplastic Syndromes, Hereditary; Tumor predisposition; Hereditary Cancer Syndrome; Hereditary neoplastic syndrome. Identifiers: Orphanet 140162, MedGen C0027672, MeSH D009386, MONDO:0015356.

Submission:

Ambry Genetics
Classification: Uncertain significance for Hereditary cancer-predisposing syndrome. Last evaluated: 2021-07-23. Review status: criteria provided, single submitter. Criteria: Ambry Variant Classification Scheme 2023. Collection method: clinical testing. Allele origin: germline.
Comment: The p.I230M variant (also known as c.690C>G), located in coding exon 7 of the POLE gene, results from a C to G substitution at nucleotide position 690. The isoleucine at codon 230 is replaced by methionine, an amino acid with highly similar properties. This amino acid position is conserved. In addition, this alteration is predicted to be tolerated by in silico analysis. Since supporting evidence is limited at this time, the clinical significance of this alteration remains unclear.